The following is an entry in ClinVar:

NM_000117.3(EMD):c.608G>A (p.Arg203His)

Gene: EMD (emerin; plus strand). Cytogenetic location: Xq28.
Variant type: single nucleotide variant.
Coding change: c.608G>A on transcript NM_000117.3 (MANE Select); coding-DNA position 608, G replaced by A.
Protein change: p.Arg203His; replaces arginine 203 with histidine.
Molecular consequence: missense variant.
Genome position (GRCh38, 1-based): chrX:154,381,040, G>A. VCF-style: chrX-154381040-G-A. GRCh37 (hg19) VCF-style: chrX-153609400-G-A.
Other names: p.R203H:CGC>CAC; short protein forms R203H.
Identifiers: ClinVar variation 201775 (VCV000201775.7), dbSNP rs144842093, ClinGen allele CA335153.

ClinVar aggregate classification (germline): Uncertain significance. Review status: criteria provided, multiple submitters, no conflicts (2 of 4 stars). 4 submissions from 4 submitters: Uncertain significance (3). 1 of the submissions does not count toward it. Last evaluated 2023-11-17.

Conditions:
Emery-Dreifuss muscular dystrophy (EDMD). Also called: Scapuloperoneal syndrome, X-linked (formerly); Humeroperoneal neuromuscular disease, (formerly). Identifiers: Orphanet 261, MedGen C0410189, MONDO:0016830.
Cardiovascular phenotype. Identifiers: MedGen CN230736.
X-linked Emery-Dreifuss muscular dystrophy. Also called: Muscular dystrophy, tardive Emery-Dreifuss type, with contractures. Identifiers: Orphanet 261, Orphanet 98863, MedGen C0751337, MONDO:0010680.

Allele frequency attached by ClinVar (database versions not stated): TOPMed 0.00003; gnomAD 0.00004 and 0.00006; gnomAD exomes 0.00004 and 0.00012; ExAC 0.00005; ESP Exome Variant Server 0.00019; 1000 Genomes Project 30x 0.00062; 1000 Genomes Project 0.00079.
gnomAD v4.1: 136 of 1,210,488 alleles (0.011%); highest among the groups gnomAD compares: East Asian, 0.36%; no homozygotes.

Submissions (4):

Ambry Genetics
Classification: Uncertain significance for Cardiovascular phenotype. Last evaluated: 2023-11-17. Review status: criteria provided, single submitter. Criteria: Ambry Variant Classification Scheme 2023. Collection method: clinical testing. Allele origin: germline.
Comment: The p.R203H variant (also known as c.608G>A), located in coding exon 6 of the EMD gene, results from a G to A substitution at nucleotide position 608. The arginine at codon 203 is replaced by histidine, an amino acid with highly similar properties. This alteration was reported in an infant with right bundle branch block and left ventricular noncompaction, who also carried alterations in other cardiac-related genes (Yokoyama R et al. Heart Vessels, 2018 Jul;33:802-819). Based on data from gnomAD, the A allele has an overall frequency of <0.01% (8/204893) total alleles studied, with 2 hemizygote(s) observed. The highest observed frequency was <0.01% (6/14848) of East Asian alleles. This amino acid position is highly conserved in available vertebrate species. In addition, the in silico prediction for this alteration is inconclusive. Since supporting evidence is limited at this time, the clinical significance of this alteration remains unclear.

Labcorp Genetics (formerly Invitae), Labcorp
Classification: Uncertain significance for X-linked Emery-Dreifuss muscular dystrophy. Last evaluated: 2022-10-17. Review status: criteria provided, single submitter. Criteria: Invitae Variant Classification Sherloc (09022015). Collection method: clinical testing. Allele origin: germline.
Comment: This sequence change replaces arginine, which is basic and polar, with histidine, which is basic and polar, at codon 203 of the EMD protein (p.Arg203His). This variant is present in population databases (rs144842093, gnomAD 0.04%). This missense change has been observed in individual(s) with clinical features of EMD-related conditions (PMID: 29349559). ClinVar contains an entry for this variant (Variation ID: 201775). Advanced modeling of protein sequence and biophysical properties (such as structural, functional, and spatial information, amino acid conservation, physicochemical variation, residue mobility, and thermodynamic stability) performed at Invitae indicates that this missense variant is not expected to disrupt EMD protein function. In summary, the available evidence is currently insufficient to determine the role of this variant in disease. Therefore, it has been classified as a Variant of Uncertain Significance.

GeneDx
Classification: Uncertain significance. Last evaluated: 2017-01-12. Review status: criteria provided, single submitter. Criteria: GeneDx Variant Classification (06012015). Collection method: clinical testing. Allele origin: germline. Affected: yes.
Comment: This individual reportedly had a history of muscle weakness and complete atrio-ventricular (AV) conduction block (Funakoshi et al., 1999). Although this variant has not been observed at a significant frequency in large population cohorts, it has been reported as hemizygous in several individuals from these cohorts (Lek et al., 2016; McVean et al., 2012; Exome Variant Server; Exome Aggregation Consortium). The R203H variant is a conservative amino acid substitution, which is not likely to impact secondary protein structure as these residues share similar properties. This substitution occurs at a position that is conserved in mammals. In silico analysis is inconsistent in its predictions as to whether or not the variant is damaging to the protein structure/function.Therefore, based on the currently available information, it is unclear whether this variant is pathogenic or benign. This result cannot be interpreted for diagnosis or used for family member screening at this time.

Natera, Inc.
Classification: Uncertain significance for Emery-Dreifuss muscular dystrophy. Last evaluated: 2020-09-16. Review status: no assertion criteria provided. Collection method: clinical testing. Allele origin: germline. Not counted in ClinVar's aggregate classification.

Literature cited by the submitters: PubMed 29349559 (cited by Ambry Genetics and Labcorp Genetics (formerly Invitae), Labcorp).